The following is an entry in ClinVar:

ClinVar aggregate classification (germline): Conflicting classifications of pathogenicity. Review status: criteria provided, conflicting classifications (1 of 4 stars). 5 submissions from 5 submitters: Uncertain significance (4); Likely benign (1). Last evaluated 2026-01-27.

Conditions:
Inborn genetic diseases. Identifiers: MedGen C0950123, MeSH D030342.
Epilepsy, childhood absence, susceptibility to, 6. Identifiers: Orphanet 64280, MedGen C2749872, MONDO:0012763, OMIM 611942.
Hyperaldosteronism, familial, type IV (HALD4). Also called: FH IV; ALDOSTERONISM, PRIMARY, AND HYPERTENSION. Identifiers: Orphanet 642671, MedGen C4310756, MONDO:0014875, OMIM 617027.
Idiopathic generalized epilepsy. Also called: Generalised epilepsy; EIG. Identifiers: MedGen C0270850, MONDO:0005579, OMIM 600669.

Allele frequency attached by ClinVar (database versions not stated): gnomAD 0.00004; gnomAD exomes 0.00005; TOPMed 0.00005; ESP Exome Variant Server 0.00008; ExAC 0.00009.
gnomAD v4.1: 137 of 1,604,920 alleles (0.0085%); highest among the groups gnomAD compares: Non-Finnish European, 0.011%; no homozygotes.

Submissions (5):

Labcorp Genetics (formerly Invitae), Labcorp
Classification: Uncertain significance for Idiopathic generalized epilepsy; Hyperaldosteronism, familial, type IV. Last evaluated: 2026-01-27. Review status: criteria provided, single submitter. Criteria: Invitae Variant Classification Sherloc (09022015). Collection method: clinical testing. Allele origin: germline.
Comment: This sequence change replaces proline, which is neutral and non-polar, with arginine, which is basic and polar, at codon 1781 of the CACNA1H protein (p.Pro1781Arg). This variant is present in population databases (rs372601783, gnomAD 0.01%). This variant has not been reported in the literature in individuals affected with CACNA1H-related conditions. ClinVar contains an entry for this variant (Variation ID: 567636). Invitae Evidence Modeling of protein sequence and biophysical properties (such as structural, functional, and spatial information, amino acid conservation, physicochemical variation, residue mobility, and thermodynamic stability) indicates that this missense variant is expected to disrupt CACNA1H protein function with a positive predictive value of 80%. In summary, the available evidence is currently insufficient to determine the role of this variant in disease. Therefore, it has been classified as a Variant of Uncertain Significance.

Ambry Genetics
Classification: Uncertain significance for Inborn genetic diseases. Last evaluated: 2025-10-15. Review status: criteria provided, single submitter. Criteria: Ambry Variant Classification Scheme 2023. Collection method: clinical testing. Allele origin: germline.

Blueprint Genetics
Classification: Likely benign. Last evaluated: 2024-08-26. Review status: criteria provided, single submitter. Criteria: ACMG Guidelines, 2015. Collection method: clinical testing. Allele origin: germline.

Fulgent Genetics
Classification: Uncertain significance for Epilepsy, childhood absence, susceptibility to, 6; Hyperaldosteronism, familial, type IV. Last evaluated: 2022-04-20. Review status: criteria provided, single submitter. Criteria: ACMG Guidelines, 2015. Collection method: clinical testing. Allele origin: unknown.

Department of Pathology and Laboratory Medicine, Sinai Health System
Classification: Uncertain significance for hyperaldosteronism, familial, type IV. Last evaluated: 2021-07-30. Review status: criteria provided, single submitter. Criteria: ACMG Guidelines, 2015. Collection method: research. Allele origin: germline.

NM_021098.3(CACNA1H):c.5342C>G (p.Pro1781Arg)

Gene: CACNA1H (calcium voltage-gated channel subunit alpha1 H; plus strand). Cytogenetic location: 16p13.3.
Variant type: single nucleotide variant.
Coding change: c.5342C>G on transcript NM_021098.3 (MANE Select); coding-DNA position 5342, C replaced by G.
Protein change: p.Pro1781Arg; replaces proline 1781 with arginine.
Molecular consequence: missense variant.
Genome position (GRCh38, 1-based): chr16:1,217,937, C>G. VCF-style: chr16-1217937-C-G. GRCh37 (hg19) VCF-style: chr16-1267937-C-G.
Other names: c.5324C>G, p.Pro1775Arg (NM_001005407.2); short protein forms P1781R, P1775R.
Identifiers: ClinVar variation 567636 (VCV000567636.14), dbSNP rs372601783, ClinGen allele CA7801976.